The following is an entry in ClinVar:

NM_002471.4(MYH6):c.2608G>C (p.Ala870Pro)

Gene: MYH6 (myosin heavy chain 6; minus strand). Cytogenetic location: 14q11.2.
Variant type: single nucleotide variant.
Coding change: c.2608G>C on transcript NM_002471.4 (MANE Select); coding-DNA position 2608, G replaced by C.
Protein change: p.Ala870Pro; replaces alanine 870 with proline.
Molecular consequence: missense variant.
Genome position (GRCh38, 1-based): chr14:23,394,145, C>G on the plus strand (G>C on the coding strand, the complement: MYH6 is on the minus strand). VCF-style: chr14-23394145-C-G. GRCh37 (hg19) VCF-style: chr14-23863354-C-G.
Other names: short protein forms A870P.
Identifiers: ClinVar variation 1061856 (VCV001061856.9), dbSNP rs1475742505, ClinGen allele CA389014074.

ClinVar aggregate classification (germline): Uncertain significance (1 of 4 stars; one submission).

Conditions:
Hypertrophic cardiomyopathy 14. Identifiers: MedGen C2750467, MONDO:0013197, OMIM 613251.

Submission:

Labcorp Genetics (formerly Invitae), Labcorp
Classification: Uncertain significance for Hypertrophic cardiomyopathy 14. Last evaluated: 2020-10-09. Review status: criteria provided, single submitter. Criteria: Invitae Variant Classification Sherloc (09022015). Collection method: clinical testing. Allele origin: germline.
Comment: This variant is not present in population databases (ExAC no frequency). This sequence change replaces alanine with proline at codon 870 of the MYH6 protein (p.Ala870Pro). The alanine residue is weakly conserved and there is a small physicochemical difference between alanine and proline. This variant has not been reported in the literature in individuals with MYH6-related conditions. In summary, the available evidence is currently insufficient to determine the role of this variant in disease. Therefore, it has been classified as a Variant of Uncertain Significance. Algorithms developed to predict the effect of missense changes on protein structure and function are either unavailable or do not agree on the potential impact of this missense change (SIFT: "Tolerated"; PolyPhen-2: "Possibly Damaging"; Align-GVGD: "Class C0").